The following is an entry in ClinVar:

NC_000023.10:g.(32717411_32827609)_(33229674_?)dup

Gene: DMD (dystrophin; minus strand). Cytogenetic location: Xp21.1.
Variant type: Duplication.
Identifiers: ClinVar variation 1217260 (VCV001217260.1).

ClinVar aggregate classification (germline): Likely pathogenic (1 of 4 stars; one submission).

Conditions:
Neuromuscular disease caused by qualitative or quantitative defects of dystrophin. Also called: Qualitative or quantitative defects of dystrophin. Identifiers: Orphanet 207085, MedGen C5679787, MONDO:0016147.

Submission:

Women's Health and Genetics/Laboratory Corporation of America, LabCorp
Classification: Likely pathogenic for Neuromuscular disease caused by qualitative or quantitative defects of dystrophin. Last evaluated: 2021-08-19. Review status: criteria provided, single submitter. Criteria: LabCorp Variant Classification Summary - May 2015. Collection method: clinical testing. Allele origin: germline.
Comment: Variant summary: The variant identified by MLPA or other technology involves the duplication of exons 1-7 in the DMD gene. A presumed nomenclature of c.(?_-245)_(649+1_650-1)dup has been designated for the purposes of this classification. It has been assumed that this is a tandem duplication in direct orientation (Richardson_GIM_2018, Newman_AJHG_2015). Although exact breakpoints of this duplication are not known, it is expected to result in a frameshift in the DMD gene. The variant was absent in 16062 control chromosomes. The available data on variant occurrences in the general population are insufficient to allow any conclusion about variant significance. c.(?_-245)_(649+1_650-1)dup has been reported in the literature in at least one individual affected with Dystrophinopathies (Mah_2011). One clinical diagnostic laboratory has submitted clinical-significance assessments for this variant to ClinVar after 2014 without evidence for independent evaluation and classified the variant as likely pathogenic. Similar duplications in this region have been reported in patients with Dystrophinopathies (e.g. PMID 24835530;31705731). Based on the evidence outlined above, the variant was classified as likely pathogenic.

Literature cited by the submitters: PubMed 21515508.